The following is an entry in ClinVar:

NM_130837.3(OPA1):c.2145G>A (p.Trp715Ter)

Gene: OPA1 (OPA1 mitochondrial dynamin like GTPase; plus strand). Cytogenetic location: 3q29.
Variant type: single nucleotide variant.
Coding change: c.2145G>A on transcript NM_130837.3 (MANE Select); coding-DNA position 2145, G replaced by A.
Protein change: p.Trp715Ter; replaces tryptophan 715 with a stop codon.
Molecular consequence: nonsense.
Genome position (GRCh38, 1-based): chr3:193,654,994, G>A. VCF-style: chr3-193654994-G-A. GRCh37 (hg19) VCF-style: chr3-193372783-G-A.
Other names: c.1611G>A, p.Trp537Ter (NM_001354663.2); c.1608G>A, p.Trp536Ter (NM_001354664.2); c.1980G>A, p.Trp660Ter (NM_015560.3); c.1872G>A, p.Trp624Ter (NM_130831.3); c.1926G>A, p.Trp642Ter (NM_130832.3); c.1983G>A, p.Trp661Ter (NM_130833.3); c.2034G>A, p.Trp678Ter (NM_130834.3); c.2037G>A, p.Trp679Ter (NM_130835.3); and 1 more; short protein forms W536*, W537*, W624*, W642*, W660*, W661*, W678*, W679*.
Identifiers: ClinVar variation 3898588 (VCV003898588.7).
Genomic context (GRCh38, chr3:193,654,994, plus strand): 5'-TGCGCAGACCATGAATTCAGGAACTTTTAACACCACAGTGGATATCAAGCTTAAACAGTG[G>A]ACTGATAAACAACTTCCTAATAAAGCAGTAGAGGTTAGGATATAATTTAATTAAATGGGT-3'

ClinVar aggregate classification (germline): Pathogenic (1 of 4 stars; one submission).

Submission:

CeGaT Center for Human Genetics Tuebingen
Classification: Pathogenic. Last evaluated: 2025-04-01. Review status: criteria provided, single submitter. Criteria: CeGaT Center For Human Genetics Tuebingen Variant Classification Criteria Version 2. Collection method: clinical testing. Allele origin: germline. Affected: yes. Observed: 1 variant allele.
Comment: OPA1: PVS1, PM2